The following is an entry in ClinVar:

NM_001378615.1(CC2D2A):c.3976-3C>T

Genes: CC2D2A (coiled-coil and C2 domain containing 2A; plus strand), FBXL5 (F-box and leucine rich repeat protein 5; minus strand). Cytogenetic location: 4p15.32.
Variant type: single nucleotide variant.
Coding change: c.3976-3C>T on transcript NM_001378615.1 (MANE Select); 3 bases into the intron before coding-DNA position 3976, C replaced by T.
Molecular consequence: intron variant.
Genome position (GRCh38, 1-based): chr4:15,586,154, C>T. VCF-style: chr4-15586154-C-T. GRCh37 (hg19) VCF-style: chr4-15587777-C-T.
Other names: c.3976-3C>T (NM_001080522.2); c.3829-3C>T (NM_001378617.1).
Identifiers: ClinVar variation 972199 (VCV000972199.7), dbSNP rs576298659, ClinGen allele CA2864279.
Genomic context (GRCh38, chr4:15,586,154, plus strand): 5'-TAGGGGATGCAGCATTCTGTTTTATTATAAATTATTTTTGTAAAGCTCATTTTGATTATA[C>T]AGGAACTGGTGGCTCGATATGTGTCCTTGATTCCCTTCTTGCCTGACACTGTCTCATTTG-3'

ClinVar aggregate classification (germline): Uncertain significance (1 of 4 stars; one submission).

Conditions:
Joubert syndrome. Also called: JOUBERT-BOLTSHAUSER SYNDROME; Familial aplasia of the vermis. Identifiers: Orphanet 475, MedGen C5979921, MONDO:0018772.
Meckel-Gruber syndrome. Also called: Dysencephalia splachnocystica; DYSENCEPHALIA SPLANCHNOCYSTICA; GRUBER SYNDROME. Identifiers: Orphanet 564, MedGen C0265215, MONDO:0018921.

Allele frequency attached by ClinVar (database versions not stated): TOPMed 0.00002.
gnomAD v4.1: 31 of 1,606,676 alleles (0.0019%); highest among the groups gnomAD compares: African/African-American, 0.0027%; no homozygotes.

Submission:

Labcorp Genetics (formerly Invitae), Labcorp
Classification: Uncertain significance for Joubert syndrome; Meckel-Gruber syndrome. Last evaluated: 2022-02-04. Review status: criteria provided, single submitter. Criteria: Invitae Variant Classification Sherloc (09022015). Collection method: clinical testing. Allele origin: germline.
Comment: This sequence change falls in intron 31 of the CC2D2A gene. It does not directly change the encoded amino acid sequence of the CC2D2A protein. It affects a nucleotide within the consensus splice site. This variant is present in population databases (rs576298659, gnomAD 0.006%). This variant has not been reported in the literature in individuals affected with CC2D2A-related conditions. ClinVar contains an entry for this variant (Variation ID: 972199). Variants that disrupt the consensus splice site are a relatively common cause of aberrant splicing (PMID: 17576681, 9536098). Algorithms developed to predict the effect of sequence changes on RNA splicing suggest that this variant is not likely to affect RNA splicing. In summary, the available evidence is currently insufficient to determine the role of this variant in disease. Therefore, it has been classified as a Variant of Uncertain Significance.

Literature cited by the submitters: PubMed 17576681; PubMed 9536098.